The following is an entry in ClinVar:

ClinVar aggregate classification (germline): Conflicting classifications of pathogenicity. Review status: criteria provided, conflicting classifications (1 of 4 stars). 16 submissions from 13 submitters: Pathogenic (2); Uncertain significance (7); Benign (1); Likely benign (2). 4 of the submissions do not count toward it. Last evaluated 2026-07-22.

Conditions:
GDF6-related disorder. Also called: GDF6-related condition.
Multiple synostoses syndrome 4. Identifiers: MedGen C4693531, MONDO:0054752, OMIM 617898.
Leber congenital amaurosis 17 (LCA17). Identifiers: Orphanet 65, MedGen C3715164, MONDO:0014145, OMIM 615360.
Isolated microphthalmia 4. Identifiers: Orphanet 2542, MedGen C2751307, MONDO:0013130, OMIM 613094.
Klippel-Feil syndrome 1, autosomal dominant (KFS1). Also called: CERVICAL VERTEBRAL FUSION, AUTOSOMAL DOMINANT. Identifiers: Orphanet 2345, MedGen C1861689, MONDO:0007306, OMIM 118100.
Microphthalmia, isolated, with coloboma 6 (MCOPCB6). Also called: MICROPHTHALMIA/COLOBOMA 6; Microphthalmia with coloboma 6, digenic; Microphthalmia with coloboma 6. Identifiers: Orphanet 98938, MedGen C3150968, MONDO:0013376, OMIM 613703.
Congenital anomaly of kidney and urinary tract. Also called: Congenital anomalies of the kidney and urinary tract; Congenital anomalies of kidney and urinary tract. Identifiers: Orphanet 93545, MedGen C1968949, MeSH C566906, MONDO:0019719.
Retinal dystrophy. Also called: Inherited retinal dystrophy. Identifiers: Orphanet 71862, MedGen C0854723, MeSH D058499, MONDO:0019118, HP:0000556.

Allele frequency attached by ClinVar (database versions not stated): 1000 Genomes Project 0.00060; ExAC 0.00097; 1000 Genomes Project 30x 0.00125; gnomAD 0.00198 and 0.00200; gnomAD exomes 0.00198 and 0.00389; TOPMed 0.00215.
gnomAD v4.1: 5,489 of 1,496,680 alleles (0.37%); highest among the groups gnomAD compares: Non-Finnish European, 0.46%; 16 homozygotes.

Submissions (16):

GeneDx
Classification: Uncertain significance. Last evaluated: 2026-07-22. Review status: criteria provided, single submitter. Criteria: GeneDx Variant Classification Process June 2021. Collection method: clinical testing. Allele origin: germline.
Comment: Does not segregate with Chiari Malformation type 1 in all affected individuals in published literature (PMID: 23620759); Published functional studies suggest this variant results in a decrease of activity as compared to wild-type (PMID: 23307924); In silico analysis suggests that this missense variant does not alter protein structure/function; This variant is associated with the following publications: (PMID: 20494911, 32483926, 29343940, 19129173, 21864080, 23307924, 31068177, 29260090, 30755392, 32737436, 38025229, 18425797, 25457163, 23620759)

CeGaT Center for Human Genetics Tuebingen
Classification: Likely benign. Last evaluated: 2026-03-01. Review status: criteria provided, single submitter. Criteria: CeGaT Center For Human Genetics Tuebingen Variant Classification Criteria Version 2. Collection method: clinical testing. Allele origin: germline. Affected: yes. Observed: 4 variant alleles.
Comment: GDF6: BS2

Labcorp Genetics (formerly Invitae), Labcorp
Classification: Benign for Isolated microphthalmia 4; Leber congenital amaurosis 17; Klippel-Feil syndrome 1, autosomal dominant; Microphthalmia, isolated, with coloboma 6. Last evaluated: 2026-02-02. Review status: criteria provided, single submitter. Criteria: Invitae Variant Classification Sherloc (09022015). Collection method: clinical testing. Allele origin: germline.

Dasa
Classification: Uncertain significance for Klippel-Feil syndrome 1, autosomal dominant. Last evaluated: 2025-11-26. Review status: criteria provided, single submitter. Criteria: DASA Assertion Criteria. Collection method: clinical testing. Allele origin: germline.
Comment: NM_001001557.4(GDF6):c.746C>A (p.Ala249Glu) is a missense variant that results in the substitution of alanine with glutamic acid. This variant has been reported in individuals with GDF6-related disorders (PMID: 18425797). Segregation data support an association with disease in the reported family/families (PMID: 18425797). This classification is supported by population frequency inconsistent with a disease-causing role. The currently available literature and clinical evidence are not sufficient to establish a definitive association between this variant and the reported condition. Therefore, this variant is classified as a variant of uncertain significance.

Laboratory of Genetics, Children's Clinical University Hospital Latvia
Classification: Likely benign. Last evaluated: 2025-02-16. Review status: criteria provided, single submitter. Criteria: ACMG Guidelines, 2015. Collection method: clinical testing. Allele origin: germline. Affected: yes.

Weber Lab, Hannover Medical School
Classification: Pathogenic for Congenital anomaly of kidney and urinary tract; Klippel-Feil syndrome 1, autosomal dominant. Last evaluated: 2024-02-15. Review status: criteria provided, single submitter. Criteria: ACMG Guidelines, 2015. Collection method: research. Allele origin: maternal. Affected: yes. Observed: 1 variant allele.

Weber Lab, Hannover Medical School
Classification: Pathogenic for Congenital anomaly of kidney and urinary tract. Last evaluated: 2024-02-15. Review status: criteria provided, single submitter. Criteria: ACMG Guidelines, 2015. Collection method: research. Allele origin: paternal. Affected: yes. Observed: 1 variant allele.

Department of Pathology and Laboratory Medicine, Sinai Health System
Classification: Uncertain significance for Klippel-Feil syndrome 1, autosomal dominant; Isolated microphthalmia 4; Microphthalmia, isolated, with coloboma 6; Leber congenital amaurosis 17; Multiple synostoses syndrome 4. Last evaluated: 2023-05-02. Review status: criteria provided, single submitter. Criteria: ACMG Guidelines, 2015. Collection method: research. Allele origin: germline.

Institute of Human Genetics, Univ. Regensburg, Univ. Regensburg
Classification: Uncertain significance for Retinal dystrophy. Last evaluated: 2022-01-01. Review status: criteria provided, single submitter. Criteria: ACMG Guidelines, 2015. Collection method: clinical testing. Allele origin: germline. Affected: yes.

Revvity Omics, Revvity
Classification: Uncertain significance. Last evaluated: 2021-05-18. Review status: criteria provided, single submitter. Criteria: ACMG Guidelines, 2015. Collection method: clinical testing. Allele origin: germline.

Institute of Human Genetics, University of Leipzig Medical Center
Classification: Uncertain significance for Klippel-Feil syndrome 1, autosomal dominant. Last evaluated: 2019-08-13. Review status: criteria provided, single submitter. Criteria: ACMG Guidelines, 2015. Collection method: clinical testing. Allele origin: germline. Affected: yes. Observed: 1 variant allele.

Laboratory for Molecular Medicine, Mass General Brigham Personalized Medicine
Classification: Uncertain significance. Last evaluated: 2016-03-28. Review status: criteria provided, single submitter. Criteria: LMM Criteria. Collection method: clinical testing. Allele origin: germline.
Comment: Variant identified in a genome or exome case(s) and assessed due to predicted null impact of the variant or pathogenic assertions in the literature or databases. Disclaimer: This variant has not undergone full assessment. The following are preliminary notes: low reads, pathogenic by OMIM in ClinVar, implicated in different pathologies

PreventionGenetics, part of Exact Sciences
Classification: Likely benign for GDF6-related condition. Last evaluated: 2023-11-28. Review status: no assertion criteria provided. Collection method: clinical testing. Allele origin: germline. Not counted in ClinVar's aggregate classification.
Comment: This variant is classified as likely benign based on ACMG/AMP sequence variant interpretation guidelines (Richards et al. 2015 PMID: 25741868, with internal and published modifications).

OMIM
Classification: Pathogenic for KLIPPEL-FEIL SYNDROME 1, AUTOSOMAL DOMINANT. Last evaluated: 2013-04-01. Review status: no assertion criteria provided. Collection method: literature only. Allele origin: germline. Not counted in ClinVar's aggregate classification.

OMIM
Classification: Pathogenic for MICROPHTHALMIA, ISOLATED 4. Last evaluated: 2013-04-01. Review status: no assertion criteria provided. Collection method: literature only. Allele origin: germline. Not counted in ClinVar's aggregate classification.

OMIM
Classification: Pathogenic for LEBER CONGENITAL AMAUROSIS 17. Last evaluated: 2013-04-01. Review status: no assertion criteria provided. Collection method: literature only. Allele origin: germline. Not counted in ClinVar's aggregate classification.

Literature cited by the submitters: PubMed 18425797 (cited by 3 submitters); PubMed 32737436 (cited by Weber Lab, Hannover Medical School and Institute of Human Genetics, Univ. Regensburg, Univ. Regensburg); PubMed 38025229 (cited by Weber Lab, Hannover Medical School); PubMed 19129173 (cited by Institute of Human Genetics, Univ. Regensburg, Univ. Regensburg and OMIM); PubMed 23307924 (cited by Institute of Human Genetics, Univ. Regensburg, Univ. Regensburg and OMIM); PubMed 23620759 (cited by Institute of Human Genetics, Univ. Regensburg, Univ. Regensburg); PubMed 25457163 (cited by Institute of Human Genetics, Univ. Regensburg, Univ. Regensburg); PubMed 30755392 (cited by Institute of Human Genetics, Univ. Regensburg, Univ. Regensburg); PubMed 32483926 (cited by Institute of Human Genetics, Univ. Regensburg, Univ. Regensburg).

NM_001001557.4(GDF6):c.746C>A (p.Ala249Glu)

Gene: GDF6 (growth differentiation factor 6; minus strand). Cytogenetic location: 8q22.1.
Variant type: single nucleotide variant.
Coding change: c.746C>A on transcript NM_001001557.4 (MANE Select); coding-DNA position 746, C replaced by A.
Protein change: p.Ala249Glu; replaces alanine 249 with glutamic acid.
Molecular consequence: missense variant.
Genome position (GRCh38, 1-based): chr8:96,145,185, G>T on the plus strand (C>A on the coding strand, the complement: GDF6 is on the minus strand). VCF-style: chr8-96145185-G-T. GRCh37 (hg19) VCF-style: chr8-97157413-G-T.
Other names: short protein forms A249E.
Identifiers: ClinVar variation 8371 (VCV000008371.64), dbSNP rs121909352, ClinGen allele CA119555.